The following is an entry in ClinVar:

ClinVar aggregate classification (germline): Likely pathogenic (0 of 4 stars; one submission).

Conditions:
Autosomal recessive nonsyndromic hearing loss 7. Also called: DEAFNESS, AUTOSOMAL RECESSIVE 11. Identifiers: Orphanet 90636, MedGen C1832978, MONDO:0010967, OMIM 600974.

Submission:

Wenzhou Key Laboratory of Reproduction and Genetics, First Affiliated Hospital of Wenzhou Medical University
Classification: Likely pathogenic for Autosomal recessive nonsyndromic hearing loss 7. Last evaluated: 2024-06-22. Review status: no assertion criteria provided. Collection method: clinical testing. Allele origin: germline. Inheritance: Autosomal recessive inheritance. Affected: yes. Observed: 1 compound heterozygote.
Comment: Observed in a single family in association with hearing loss; It's a splice site variant predicted to result in a null allele in a gene for which loss-of-function is a known mechanism of disease; Not observed at significant frequency in large population cohorts.

NM_138691.3(TMC1):c.741+2dup

Gene: TMC1 (transmembrane channel like 1; plus strand). Cytogenetic location: 9q21.13.
Variant type: Duplication.
Coding change: c.741+2dup on transcript NM_138691.3 (MANE Select); the canonical splice donor site of the intron after coding-DNA position 741, one base duplicated (T; older notation c.741+2dupT).
Molecular consequence: splice donor variant.
Genome position (GRCh38, 1-based): chr9:72,754,886, T duplicated. VCF-style (leftmost placement, unchanged base first): chr9-72754885-G-GT. GRCh37 (hg19) VCF-style: chr9-75369801-G-GT.
Other names: c.741+2_741+3insT (NM_138691.3).
Identifiers: ClinVar variation 3242442 (VCV003242442.2).
Genomic context (GRCh38, chr9:72,754,885, plus strand): 5'-ACCGTTCCCAGAGCCGAAGAGGCATCGGCAGCAAACTTTGGTGTGTTGTACGACTTCAAT[G>GT]TAAGTGTCTCCACACAAGTGTATTGGTGGGAGGATGGATTTTTATTTAGTTTATTTTATT-3'